The following is an entry in ClinVar:

NM_000081.4(LYST):c.2255T>A (p.Leu752Gln)

Gene: LYST (lysosomal trafficking regulator; minus strand). Cytogenetic location: 1q42.3.
Variant type: single nucleotide variant.
Coding change: c.2255T>A on transcript NM_000081.4 (MANE Select); coding-DNA position 2255, T replaced by A.
Protein change: p.Leu752Gln; replaces leucine 752 with glutamine.
Molecular consequence: missense variant.
Genome position (GRCh38, 1-based): chr1:235,808,563, A>T on the plus strand (T>A on the coding strand, the complement: LYST is on the minus strand). VCF-style: chr1-235808563-A-T. GRCh37 (hg19) VCF-style: chr1-235971863-A-T.
Other names: c.2255T>A, p.Leu752Gln (NM_001301365.1); short protein forms L752Q.
Identifiers: ClinVar variation 955077 (VCV000955077.7), dbSNP rs545240869, ClinGen allele CA1467337.

ClinVar aggregate classification (germline): Uncertain significance (1 of 4 stars; one submission).

Conditions:
Chédiak-Higashi syndrome (CHS). Also called: Chediak-Higashi Syndrome. Identifiers: Orphanet 167, MedGen C0007965, MONDO:0008963, OMIM 214500.

Allele frequency attached by ClinVar (database versions not stated): TOPMed below 0.00001; gnomAD 0.00001; ExAC 0.00002.
gnomAD v4.1: 8 of 1,614,000 alleles (0.0005%); highest among the groups gnomAD compares: East Asian, 0.018%; no homozygotes.

Submission:

Labcorp Genetics (formerly Invitae), Labcorp
Classification: Uncertain significance for Chédiak-Higashi syndrome. Last evaluated: 2021-09-01. Review status: criteria provided, single submitter. Criteria: Invitae Variant Classification Sherloc (09022015). Collection method: clinical testing. Allele origin: germline.
Comment: This sequence change replaces leucine with glutamine at codon 752 of the LYST protein (p.Leu752Gln). The leucine residue is moderately conserved and there is a moderate physicochemical difference between leucine and glutamine. This variant is present in population databases (rs545240869, ExAC 0.02%). This variant has not been reported in the literature in individuals affected with LYST-related conditions. Algorithms developed to predict the effect of missense changes on protein structure and function output the following: SIFT: "Deleterious"; PolyPhen-2: "Benign"; Align-GVGD: "Class C0". The glutamine amino acid residue is found in multiple mammalian species, which suggests that this missense change does not adversely affect protein function. In summary, the available evidence is currently insufficient to determine the role of this variant in disease. Therefore, it has been classified as a Variant of Uncertain Significance.